The following is an entry in ClinVar:

NM_001142864.4(PIEZO1):c.1199G>A (p.Arg400Gln)

Genes: PIEZO1 (piezo type mechanosensitive ion channel component 1 (Er blood group); minus strand), HSALR1 (HSP90AB1 associated lncRNA 1; plus strand). Cytogenetic location: 16q24.3.
Variant type: single nucleotide variant.
Coding change: c.1199G>A on transcript NM_001142864.4 (MANE Select); coding-DNA position 1199, G replaced by A.
Protein change: p.Arg400Gln; replaces arginine 400 with glutamine.
Molecular consequence: missense variant.
Genome position (GRCh38, 1-based): chr16:88,736,736, C>T on the plus strand (G>A on the coding strand, the complement: PIEZO1 is on the minus strand). VCF-style: chr16-88736736-C-T. GRCh37 (hg19) VCF-style: chr16-88803144-C-T.
Other names: p.Arg400Gln; short protein forms R400Q.
Identifiers: ClinVar variation 790171 (VCV000790171.38), dbSNP rs139100986, ClinGen allele CA8233063.

ClinVar aggregate classification (germline): Benign/Likely benign. Review status: criteria provided, multiple submitters, no conflicts (2 of 4 stars). 6 submissions from 6 submitters: Benign (3); Likely benign (3). Last evaluated 2025-11-13.

Allele frequency attached by ClinVar (database versions not stated): gnomAD exomes 0.00058 and 0.00133; ExAC 0.00154; ESP Exome Variant Server 0.00373; gnomAD 0.00416 and 0.00450; 1000 Genomes Project 30x 0.00453; TOPMed 0.00479; 1000 Genomes Project 0.00559.
gnomAD v4.1: 1,475 of 1,525,652 alleles (0.097%); highest among the groups gnomAD compares: African/African-American, 1.3%; 6 homozygotes.

Submissions (6):

Labcorp Genetics (formerly Invitae), Labcorp
Classification: Benign. Last evaluated: 2025-11-13. Review status: criteria provided, single submitter. Criteria: Invitae Variant Classification Sherloc (09022015). Collection method: clinical testing. Allele origin: germline.

ARUP Laboratories, Molecular Genetics and Genomics, ARUP Laboratories
Classification: Likely benign. Last evaluated: 2025-02-25. Review status: criteria provided, single submitter. Criteria: ARUP Molecular Germline Variant Investigation Process 2024. Collection method: clinical testing. Allele origin: germline.

Mayo Clinic Laboratories, Mayo Clinic
Classification: Likely benign. Last evaluated: 2024-12-30. Review status: criteria provided, single submitter. Criteria: ACMG Guidelines, 2015. Collection method: clinical testing. Allele origin: germline. Observed: 21 variant alleles.
Comment: BS2, BS3, BP4, BP5

Blueprint Genetics
Classification: Likely benign. Last evaluated: 2024-11-01. Review status: criteria provided, single submitter. Criteria: ACMG Guidelines, 2015. Collection method: clinical testing. Allele origin: germline.

CeGaT Center for Human Genetics Tuebingen
Classification: Benign. Last evaluated: 2024-02-01. Review status: criteria provided, single submitter. Criteria: CeGaT Center For Human Genetics Tuebingen Variant Classification Criteria Version 2. Collection method: clinical testing. Allele origin: germline. Affected: yes. Observed: 1 variant allele.
Comment: PIEZO1: PP3, BS1, BS2

Breakthrough Genomics
Classification: Benign. Review status: criteria provided, single submitter. Criteria: ACMG Guidelines, 2015. Collection method: not provided. Allele origin: germline. Inheritance: Autosomal recessive inheritance. Affected: yes.